The following is an entry in ClinVar:

ClinVar aggregate classification (germline): Likely benign. Review status: criteria provided, multiple submitters, no conflicts (2 of 4 stars). 2 submissions from 2 submitters: Likely benign (2). Last evaluated 2026-09-01.

Conditions:
TRIO-related disorder. Also called: TRIO-related condition; TRIO-related disorders.

Submissions (2):

CeGaT Center for Human Genetics Tuebingen
Classification: Likely benign. Last evaluated: 2026-09-01. Review status: criteria provided, single submitter. Criteria: CeGaT Center For Human Genetics Tuebingen Variant Classification Criteria Version 2. Collection method: clinical testing. Allele origin: germline. Affected: yes. Observed: 1 variant allele.
Comment: TRIO: PM2:Supporting, BP4, BP7

PreventionGenetics, part of Exact Sciences
Classification: Likely benign for TRIO-related condition. Last evaluated: 2026-02-06. Review status: criteria provided, single submitter. Criteria: ACMG Guidelines, 2015. Collection method: clinical testing. Allele origin: germline.
Comment: This variant is classified as likely benign based on ACMG/AMP sequence variant interpretation guidelines (Richards et al. 2015 PMID: 25741868, with internal and published modifications).

NM_007118.4(TRIO):c.6891C>G (p.Gly2297=)

Gene: TRIO (trio Rho guanine nucleotide exchange factor; plus strand). Cytogenetic location: 5p15.2.
Variant type: single nucleotide variant.
Coding change: c.6891C>G on transcript NM_007118.4 (MANE Select); coding-DNA position 6891, C replaced by G.
Protein change: p.Gly2297=; no amino-acid change (glycine 2297 retained).
Molecular consequence: synonymous variant. On other transcripts: non-coding transcript variant (1).
Genome position (GRCh38, 1-based): chr5:14,487,519, C>G. VCF-style: chr5-14487519-C-G. GRCh37 (hg19) VCF-style: chr5-14487628-C-G.
Identifiers: ClinVar variation 4995850 (VCV004995850.2).